The following is an entry in ClinVar:

NM_001329943.3(KIAA0586):c.3304G>A (p.Gly1102Arg)

Gene: KIAA0586 (KIAA0586; plus strand). Cytogenetic location: 14q23.1.
Variant type: single nucleotide variant.
Coding change: c.3304G>A on transcript NM_001329943.3 (MANE Select); coding-DNA position 3304, G replaced by A.
Protein change: p.Gly1102Arg; replaces glycine 1102 with arginine.
Molecular consequence: missense variant.
Genome position (GRCh38, 1-based): chr14:58,487,166, G>A. VCF-style: chr14-58487166-G-A. GRCh37 (hg19) VCF-style: chr14-58953884-G-A.
Other names: c.3463G>A, p.Gly1155Arg (NM_001244189.2); c.3259G>A, p.Gly1087Arg (NM_001244190.2); c.3049G>A, p.Gly1017Arg (NM_001244191.2, NM_001329945.2, NM_001364700.1 and 1 more transcripts); c.3172G>A, p.Gly1058Arg (NM_001244192.2); c.2884G>A, p.Gly962Arg (NM_001244193.2); c.3304G>A, p.Gly1102Arg (NM_001329944.2, NM_001329946.2, NM_001329947.2); c.3076G>A, p.Gly1026Arg (NM_014749.5); short protein forms G1017R, G1026R, G1058R, G1087R, G1102R, G1155R, G962R.
Identifiers: ClinVar variation 2428327 (VCV002428327.6), dbSNP rs2543647024, ClinGen allele CA389881128.

ClinVar aggregate classification (germline): Uncertain significance (1 of 4 stars; one submission).

Conditions:
Joubert syndrome 23 (JBTS23). Identifiers: Orphanet 475, MedGen C4084822, MONDO:0014664, OMIM 616490.
Short-rib thoracic dysplasia 14 with polydactyly (SRTD14). Identifiers: Orphanet 397715, MedGen C4225286, MONDO:0014688, OMIM 616546.

Submission:

Labcorp Genetics (formerly Invitae), Labcorp
Classification: Uncertain significance for Joubert syndrome 23; Short-rib thoracic dysplasia 14 with polydactyly. Last evaluated: 2022-06-26. Review status: criteria provided, single submitter. Criteria: Invitae Variant Classification Sherloc (09022015). Collection method: clinical testing. Allele origin: germline.
Comment: Algorithms developed to predict the effect of missense changes on protein structure and function are either unavailable or do not agree on the potential impact of this missense change (SIFT: "Deleterious"; PolyPhen-2: "Probably Damaging"; Align-GVGD: "Class C0"). In summary, the available evidence is currently insufficient to determine the role of this variant in disease. Therefore, it has been classified as a Variant of Uncertain Significance. Variants that disrupt the consensus splice site are a relatively common cause of aberrant splicing (PMID: 17576681, 9536098). Algorithms developed to predict the effect of sequence changes on RNA splicing suggest that this variant may disrupt the consensus splice site. This variant has not been reported in the literature in individuals affected with KIAA0586-related conditions. This variant is not present in population databases (gnomAD no frequency). This sequence change replaces glycine, which is neutral and non-polar, with arginine, which is basic and polar, at codon 1155 of the KIAA0586 protein (p.Gly1155Arg). This variant also falls at the last nucleotide of exon 24, which is part of the consensus splice site for this exon.

Literature cited by the submitters: PubMed 17576681; PubMed 9536098.